The following is an entry in ClinVar:

NM_006118.4(HAX1):c.214G>A (p.Gly72Arg)

Gene: HAX1 (HCLS1 associated protein X-1; plus strand). Cytogenetic location: 1q21.3.
Variant type: single nucleotide variant.
Coding change: c.214G>A on transcript NM_006118.4 (MANE Select); coding-DNA position 214, G replaced by A.
Protein change: p.Gly72Arg; replaces glycine 72 with arginine.
Molecular consequence: missense variant.
Genome position (GRCh38, 1-based): chr1:154,273,496, G>A. VCF-style: chr1-154273496-G-A. GRCh37 (hg19) VCF-style: chr1-154245972-G-A.
Other names: c.70G>A, p.Gly24Arg (NM_001018837.2); short protein forms G24R, G72R.
Identifiers: ClinVar variation 4269021 (VCV004269021.1).

ClinVar aggregate classification (germline): Uncertain significance (1 of 4 stars; one submission).

Conditions:
Inborn genetic diseases. Identifiers: MedGen C0950123, MeSH D030342.

Submission:

Ambry Genetics
Classification: Uncertain significance for Inborn genetic diseases. Last evaluated: 2025-06-29. Review status: criteria provided, single submitter. Criteria: Ambry Variant Classification Scheme 2023. Collection method: clinical testing. Allele origin: germline.
Comment: The p.G72R variant (also known as c.214G>A), located in coding exon 2 of the HAX1 gene, results from a G to A substitution at nucleotide position 214. The glycine at codon 72 is replaced by arginine, an amino acid with dissimilar properties. This amino acid position is conserved. In addition, the in silico prediction for this alteration is inconclusive. Based on the available evidence, the clinical significance of this variant remains unclear.